The following is an entry in ClinVar:

NM_000051.4(ATM):c.7013_7014del (p.Leu2338fs)

Genes: ATM (ATM serine/threonine kinase; plus strand), C11orf65 (chromosome 11 open reading frame 65; minus strand). Cytogenetic location: 11q22.3.
Variant type: Deletion.
Coding change: c.7013_7014del on transcript NM_000051.4 (MANE Select); coding-DNA positions 7013 to 7014, 2 bases deleted (TG; older notation c.7013_7014delTG).
Protein change: p.Leu2338fs; shifts the reading frame from leucine 2338.
Molecular consequence: frameshift variant. On other transcripts: intron variant (2).
Genome position (GRCh38, 1-based): chr11:108,327,682-108,327,683, TG deleted. VCF-style (leftmost placement, unchanged base first): chr11-108327681-CTG-C. GRCh37 (hg19) VCF-style: chr11-108198408-CTG-C.
Other names: c.7013_7014del, p.Leu2338fs (NM_001351834.2); c.641-18612_641-18611del (NM_001330368.2); c.*38+7537_*38+7538del (NM_001351110.2); short protein forms L2338fs.
Identifiers: ClinVar variation 826776 (VCV000826776.14), dbSNP rs1591142418, ClinGen allele CA915947671.

ClinVar aggregate classification (germline): Pathogenic/Likely pathogenic. Review status: criteria provided, multiple submitters, no conflicts (2 of 4 stars). 5 submissions from 5 submitters: Pathogenic (4); Likely pathogenic (1). Last evaluated 2024-12-05.

Conditions:
Familial cancer of breast. Also called: Hereditary breast cancer; BREAST CANCER, FAMILIAL; hereditary breast carcinoma. Identifiers: Orphanet 227535, MedGen C0346153, MONDO:0016419, OMIM 114480. Disease mechanism: loss of function.
Hereditary cancer-predisposing syndrome. Also called: Tumor predisposition; Neoplastic Syndromes, Hereditary; Hereditary Cancer Syndrome; Hereditary neoplastic syndrome. Identifiers: Orphanet 140162, MedGen C0027672, MeSH D009386, MONDO:0015356.
Ataxia-telangiectasia syndrome (AT). Also called: ATAXIA-TELANGIECTASIA, COMPLEMENTATION GROUP A; ATAXIA-TELANGIECTASIA, FRESNO VARIANT; Ataxia-telangiectasia; Ataxia-telangiectasia, complementation group D; AT, COMPLEMENTATION GROUP C; Ataxia-telangiectasia, complementation group E. Identifiers: Orphanet 100, MedGen C0004135, MONDO:0008840, OMIM 208900.

Submissions (5):

Molecular Pathology, Peter Maccallum Cancer Centre
Classification: Pathogenic for Ataxia-telangiectasia syndrome. Last evaluated: 2024-12-05. Review status: criteria provided, single submitter. Criteria: ACMG Guidelines, 2015. Collection method: clinical testing. Allele origin: germline. Inheritance: Autosomal recessive inheritance.

Ambry Genetics
Classification: Pathogenic for Hereditary cancer-predisposing syndrome. Last evaluated: 2024-04-29. Review status: criteria provided, single submitter. Criteria: Ambry Variant Classification Scheme 2023. Collection method: clinical testing. Allele origin: germline.
Comment: The c.7013_7014delTG pathogenic mutation, located in coding exon 47 of the ATM gene, results from a deletion of two nucleotides at nucleotide positions 7013 to 7014, causing a translational frameshift with a predicted alternate stop codon (p.L2338Qfs*34). This alteration is expected to result in loss of function by premature protein truncation or nonsense-mediated mRNA decay. This variant is considered to be rare based on population cohorts in the Genome Aggregation Database (gnomAD). As such, this alteration is interpreted as a disease-causing mutation.

Labcorp Genetics (formerly Invitae), Labcorp
Classification: Pathogenic for Ataxia-telangiectasia syndrome. Last evaluated: 2024-04-29. Review status: criteria provided, single submitter. Criteria: Invitae Variant Classification Sherloc (09022015). Collection method: clinical testing. Allele origin: germline.
Comment: This sequence change creates a premature translational stop signal (p.Leu2338Glnfs*34) in the ATM gene. It is expected to result in an absent or disrupted protein product. Loss-of-function variants in ATM are known to be pathogenic (PMID: 23807571, 25614872). This variant is not present in population databases (gnomAD no frequency). This variant has not been reported in the literature in individuals affected with ATM-related conditions. ClinVar contains an entry for this variant (Variation ID: 826776). Algorithms developed to predict the effect of sequence changes on RNA splicing suggest that this variant may disrupt the consensus splice site. For these reasons, this variant has been classified as Pathogenic.

Myriad Genetics, Inc.
Classification: Pathogenic for Familial cancer of breast. Last evaluated: 2024-01-30. Review status: criteria provided, single submitter. Criteria: Myriad Autosomal Dominant, Autosomal Recessive and X-Linked Classification Criteria (2023). Collection method: clinical testing. Allele origin: unknown.
Comment: This variant is considered pathogenic. This variant creates a frameshift predicted to result in premature protein truncation.

Baylor Genetics
Classification: Likely pathogenic for Familial cancer of breast. Last evaluated: 2022-05-05. Review status: criteria provided, single submitter. Criteria: ACMG Guidelines, 2015. Collection method: clinical testing. Allele origin: unknown.

Literature cited by the submitters: PubMed 23807571 (cited by Labcorp Genetics (formerly Invitae), Labcorp); PubMed 25614872 (cited by Labcorp Genetics (formerly Invitae), Labcorp).